The following is an entry in ClinVar:

ClinVar aggregate classification (germline): Benign (1 of 4 stars; one submission).

Allele frequency attached by ClinVar (database versions not stated): 1000 Genomes Project 0.77835; 1000 Genomes Project 30x 0.78186; ExAC 0.79091; gnomAD exomes 0.82224; TOPMed 0.83105; gnomAD 0.83891; ESP Exome Variant Server 0.86383.
gnomAD v4.1: 1,329,789 of 1,614,170 alleles (82%); highest among the groups gnomAD compares: African/African-American, 92%; 550,819 homozygotes.

Submission:

Unidad de Genómica Garrahan, Hospital de Pediatría Garrahan
Classification: Benign. Last evaluated: 2024-01-24. Review status: criteria provided, single submitter. Criteria: ACMG Guidelines, 2015. Collection method: clinical testing. Allele origin: germline. Affected: no. Observed: 85 variant alleles.
Comment: This variant is classified as Benign based on local population frequency. This variant was detected in 89% of patients studied by a panel of primary immunodeficiencies. Number of patients: 85. Only high quality variants are reported.

NM_021035.3(ZNFX1):c.4189C>T (p.Leu1397=)

Gene: ZNFX1 (zinc finger NFX1-type containing 1; minus strand). Cytogenetic location: 20q13.13.
Variant type: single nucleotide variant.
Coding change: c.4189C>T on transcript NM_021035.3 (MANE Select); coding-DNA position 4189, C replaced by T.
Protein change: p.Leu1397=; no amino-acid change (leucine 1397 retained).
Molecular consequence: synonymous variant.
Genome position (GRCh38, 1-based): chr20:49,248,835, G>A on the plus strand (C>T on the coding strand, the complement: ZNFX1 is on the minus strand). VCF-style: chr20-49248835-G-A. GRCh37 (hg19) VCF-style: chr20-47865372-G-A.
Identifiers: ClinVar variation 2687943 (VCV002687943.2), dbSNP rs238208, ClinGen allele CA9901927.
Genomic context (GRCh38, chr20:49,248,835, plus strand): 5'-CACATTTTACCGGTTGACTGTGCCCACACTTGAGTTTTATGGTGACCATTTCTGAACACA[G>A]CTGCACACAGTCCTCACCACATGGGTGGCTGCATCTGTGCCCACATCTCAGAGACTTGGA-3'
Protein context (NP_066363.1, residues 1387-1407): SHPCGEDCVQ[Leu1397=]CSEMVTIKLK